The following is an entry in ClinVar:

NM_006946.4(SPTBN2):c.773-5T>C

Gene: SPTBN2 (spectrin beta, non-erythrocytic 2; minus strand). Cytogenetic location: 11q13.2.
Variant type: single nucleotide variant.
Coding change: c.773-5T>C on transcript NM_006946.4 (MANE Select); 5 bases into the intron before coding-DNA position 773, T replaced by C.
Molecular consequence: intron variant.
Genome position (GRCh38, 1-based): chr11:66,711,034, A>G on the plus strand (T>C on the coding strand, the complement: SPTBN2 is on the minus strand). VCF-style: chr11-66711034-A-G. GRCh37 (hg19) VCF-style: chr11-66478505-A-G.
Identifiers: ClinVar variation 1029117 (VCV001029117.1), dbSNP rs1941832250, ClinGen allele CA939005131.

ClinVar aggregate classification (germline): Uncertain significance (1 of 4 stars; one submission).

Conditions:
Spinocerebellar ataxia type 5 (SCA5). Identifiers: Orphanet 98766, MedGen C0752123, MONDO:0010848, OMIM 600224.

Allele frequency attached by ClinVar (database versions not stated): gnomAD 0.00001; TOPMed 0.00001.
gnomAD v4.1: 4 of 1,613,324 alleles (0.00025%); highest among the groups gnomAD compares: Admixed American, 0.0033%; no homozygotes.

Submission:

Baylor Genetics
Classification: Uncertain significance for Spinocerebellar ataxia type 5. Last evaluated: 2019-04-09. Review status: criteria provided, single submitter. Criteria: ACMG Guidelines, 2015. Collection method: clinical testing. Allele origin: unknown. Affected: yes.
Comment: This variant was determined to be of uncertain significance according to ACMG Guidelines, 2015 [PMID:25741868].